The following is an entry in ClinVar:

NM_000179.3(MSH6):c.709G>A (p.Gly237Arg)

Gene: MSH6 (mutS homolog 6; plus strand). Cytogenetic location: 2p16.3.
Variant type: single nucleotide variant.
Coding change: c.709G>A on transcript NM_000179.3 (MANE Select); coding-DNA position 709, G replaced by A.
Protein change: p.Gly237Arg; replaces glycine 237 with arginine.
Molecular consequence: missense variant. On other transcripts: 5 prime UTR variant (2).
Genome position (GRCh38, 1-based): chr2:47,798,692, G>A. VCF-style: chr2-47798692-G-A. GRCh37 (hg19) VCF-style: chr2-48025831-G-A.
Other names: c.319G>A, p.Gly107Arg (NM_001281492.2); c.-198G>A (NM_001281493.2, NM_001281494.2); short protein forms G237R, G107R.
Identifiers: ClinVar variation 455341 (VCV000455341.5), dbSNP rs1424907900, ClinGen allele CA346739987.

ClinVar aggregate classification (germline): Conflicting classifications of pathogenicity. Review status: criteria provided, conflicting classifications (1 of 4 stars). 2 submissions from 2 submitters: Uncertain significance (1); Likely benign (1). Last evaluated 2026-05-14.

Conditions:
Hereditary nonpolyposis colorectal neoplasms. Identifiers: MedGen C0009405, MeSH D003123.
Hereditary cancer-predisposing syndrome. Also called: Hereditary Cancer Syndrome; Tumor predisposition; Hereditary neoplastic syndrome; Neoplastic Syndromes, Hereditary. Identifiers: Orphanet 140162, MedGen C0027672, MeSH D009386, MONDO:0015356.

Allele frequency attached by ClinVar (database versions not stated): gnomAD exomes below 0.00001.
gnomAD v4.1: 1 of 1,614,006 alleles (0.000062%); highest among the groups gnomAD compares: East Asian, 0.0022%; no homozygotes.

Submissions (2):

Ambry Genetics
Classification: Uncertain significance for Hereditary cancer-predisposing syndrome. Last evaluated: 2026-05-14. Review status: criteria provided, single submitter. Criteria: Ambry Variant Classification Scheme 2023. Collection method: clinical testing. Allele origin: germline.
Comment: The p.G237R variant (also known as c.709G>A), located in coding exon 4 of the MSH6 gene, results from a G to A substitution at nucleotide position 709. The glycine at codon 237 is replaced by arginine, an amino acid with dissimilar properties. This amino acid position is conserved. In addition, this alteration is predicted to be tolerated by in silico analysis. Based on the available evidence, the clinical significance of this variant remains unclear.

Labcorp Genetics (formerly Invitae), Labcorp
Classification: Likely benign for Hereditary nonpolyposis colorectal neoplasms. Last evaluated: 2024-09-30. Review status: criteria provided, single submitter. Criteria: Invitae Variant Classification Sherloc (09022015). Collection method: clinical testing. Allele origin: germline.